The following is an entry in ClinVar:

ClinVar aggregate classification (germline): Likely benign (1 of 4 stars; one submission).

Allele frequency attached by ClinVar (database versions not stated): TOPMed 0.00014; gnomAD 0.00021; gnomAD exomes 0.00025; 1000 Genomes Project 0.00040; 1000 Genomes Project 30x 0.00047; ExAC 0.00048.
gnomAD v4.1: 395 of 1,613,460 alleles (0.024%); highest among the groups gnomAD compares: South Asian, 0.28%; 4 homozygotes.

Submission:

CeGaT Center for Human Genetics Tuebingen
Classification: Likely benign. Last evaluated: 2023-03-01. Review status: criteria provided, single submitter. Criteria: CeGaT Center For Human Genetics Tuebingen Variant Classification Criteria Version 2. Collection method: clinical testing. Allele origin: germline. Affected: yes. Observed: 1 variant allele.
Comment: SERINC5: BP4, BP7, BS2

NM_001174072.3(SERINC5):c.141C>T (p.Val47=)

Gene: SERINC5 (serine incorporator 5; minus strand). Cytogenetic location: 5q14.1.
Variant type: single nucleotide variant.
Coding change: c.141C>T on transcript NM_001174072.3 (MANE Select); coding-DNA position 141, C replaced by T.
Protein change: p.Val47=; no amino-acid change (valine 47 retained).
Molecular consequence: synonymous variant. On other transcripts: non-coding transcript variant (2).
Genome position (GRCh38, 1-based): chr5:80,202,940, G>A on the plus strand (C>T on the coding strand, the complement: SERINC5 is on the minus strand). VCF-style: chr5-80202940-G-A. GRCh37 (hg19) VCF-style: chr5-79498759-G-A.
Other names: c.141C>T, p.Val47= (NM_001174071.3, NM_178276.7).
Identifiers: ClinVar variation 2655569 (VCV002655569.24), dbSNP rs556072650, ClinGen allele CA3325091.